The following is an entry in ClinVar:

NM_020312.4(COQ9):c.467G>A (p.Arg156Gln)

Gene: COQ9 (coenzyme Q9; plus strand). Cytogenetic location: 16q21.
Variant type: single nucleotide variant.
Coding change: c.467G>A on transcript NM_020312.4 (MANE Select); coding-DNA position 467, G replaced by A.
Protein change: p.Arg156Gln; replaces arginine 156 with glutamine.
Molecular consequence: missense variant.
Genome position (GRCh38, 1-based): chr16:57,456,592, G>A. VCF-style: chr16-57456592-G-A. GRCh37 (hg19) VCF-style: chr16-57490504-G-A.
Other names: short protein forms R156Q.
Identifiers: ClinVar variation 1191462 (VCV001191462.6), dbSNP rs201097286, ClinGen allele CA8076217.

ClinVar aggregate classification (germline): Conflicting classifications of pathogenicity. Review status: criteria provided, conflicting classifications (1 of 4 stars). 2 submissions from 2 submitters: Uncertain significance (1); Likely benign (1). Last evaluated 2024-12-31.

Allele frequency attached by ClinVar (database versions not stated): gnomAD exomes 0.00009 and 0.00016; ESP Exome Variant Server 0.00015; 1000 Genomes Project 30x 0.00016; ExAC 0.00017; 1000 Genomes Project 0.00020; gnomAD 0.00021 and 0.00027; TOPMed 0.00021.
gnomAD v4.1: 159 of 1,614,128 alleles (0.0099%); highest among the groups gnomAD compares: South Asian, 0.09%; 4 homozygotes.

Submissions (2):

Labcorp Genetics (formerly Invitae), Labcorp
Classification: Uncertain significance. Last evaluated: 2024-12-31. Review status: criteria provided, single submitter. Criteria: Invitae Variant Classification Sherloc (09022015). Collection method: clinical testing. Allele origin: germline.
Comment: This sequence change replaces arginine, which is basic and polar, with glutamine, which is neutral and polar, at codon 156 of the COQ9 protein (p.Arg156Gln). This variant is present in population databases (rs201097286, gnomAD 0.07%). This variant has not been reported in the literature in individuals affected with COQ9-related conditions. ClinVar contains an entry for this variant (Variation ID: 1191462). An algorithm developed to predict the effect of missense changes on protein structure and function outputs the following: PolyPhen-2: "Benign". The glutamine amino acid residue is found in multiple mammalian species, which suggests that this missense change does not adversely affect protein function. In summary, the available evidence is currently insufficient to determine the role of this variant in disease. Therefore, it has been classified as a Variant of Uncertain Significance.

GeneDx
Classification: Likely benign. Last evaluated: 2020-12-09. Review status: criteria provided, single submitter. Criteria: GeneDx Variant Classification Process June 2021. Collection method: clinical testing. Allele origin: germline. Affected: yes.